The following is an entry in ClinVar:

ClinVar aggregate classification (germline): Conflicting classifications of pathogenicity. Review status: criteria provided, conflicting classifications (1 of 4 stars). 2 submissions from 2 submitters: Uncertain significance (1); Likely benign (1). Last evaluated 2025-03-09.

Conditions:
Aortic aneurysm, familial thoracic 10 (AAT10). Identifiers: MedGen C4284414, MONDO:0014950, OMIM 617168.

Allele frequency attached by ClinVar (database versions not stated): TOPMed below 0.00001; gnomAD exomes 0.00002 and 0.00004; gnomAD 0.00001; ExAC 0.00003.
gnomAD v4.1: 12 of 1,599,640 alleles (0.00075%); highest among the groups gnomAD compares: Admixed American, 0.02%; no homozygotes.

Submissions (2):

Labcorp Genetics (formerly Invitae), Labcorp
Classification: Likely benign. Last evaluated: 2025-03-09. Review status: criteria provided, single submitter. Criteria: Invitae Variant Classification Sherloc (09022015). Collection method: clinical testing. Allele origin: germline.

ARUP Laboratories, Molecular Genetics and Genomics, ARUP Laboratories
Classification: Uncertain significance for Aortic aneurysm, familial thoracic 10. Last evaluated: 2021-07-21. Review status: criteria provided, single submitter. Criteria: ARUP Molecular Germline Variant Investigation Process 2021. Collection method: clinical testing. Allele origin: germline.
Comment: The LOX c.302C>T; p.Ala101Val variant (rs765652942), to our knowledge, is not reported in the medical literature or gene-specific databases. This variant is found in the Latino population with an overall allele frequency of 0.02% (8/32402 alleles) in the Genome Aggregation Database. The alanine at codon 101 is weakly conserved, and computational analyses predict that this variant is neutral (REVEL: 0.053). However, due to limited information, the clinical significance of the p.Ala101Val variant is uncertain at this time.

NM_002317.7(LOX):c.302C>T (p.Ala101Val)

Genes: LOX (lysyl oxidase; minus strand), SRFBP1 (serum response factor binding protein 1; plus strand). Cytogenetic location: 5q23.1.
Variant type: single nucleotide variant.
Coding change: c.302C>T on transcript NM_002317.7 (MANE Select); coding-DNA position 302, C replaced by T.
Protein change: p.Ala101Val; replaces alanine 101 with valine.
Molecular consequence: missense variant.
Genome position (GRCh38, 1-based): chr5:122,077,684, G>A on the plus strand (C>T on the coding strand, the complement: LOX is on the minus strand). VCF-style: chr5-122077684-G-A. GRCh37 (hg19) VCF-style: chr5-121413379-G-A.
Other names: short protein forms A101V.
Identifiers: ClinVar variation 1330410 (VCV001330410.10), dbSNP rs765652942, ClinGen allele CA3384072.